The following is an entry in ClinVar:

ClinVar aggregate classification (germline): Uncertain significance. Review status: criteria provided, multiple submitters, no conflicts (2 of 4 stars). 2 submissions from 2 submitters: Uncertain significance (2). Last evaluated 2025-01-13.

Conditions:
Inborn genetic diseases. Identifiers: MedGen C0950123, MeSH D030342.
Hereditary cancer-predisposing syndrome. Also called: Hereditary Cancer Syndrome; Hereditary neoplastic syndrome; Neoplastic Syndromes, Hereditary; Tumor predisposition. Identifiers: Orphanet 140162, MedGen C0027672, MeSH D009386, MONDO:0015356.

Submissions (2):

Ambry Genetics
Classification: Uncertain significance for Inborn genetic diseases. Last evaluated: 2025-01-13. Review status: criteria provided, single submitter. Criteria: Ambry Variant Classification Scheme 2023. Collection method: clinical testing. Allele origin: germline.
Comment: The p.N72S variant (also known as c.215A>G), located in coding exon 1 of the FANCM gene, results from an A to G substitution at nucleotide position 215. The asparagine at codon 72 is replaced by serine, an amino acid with highly similar properties. This amino acid position is conserved. In addition, this alteration is predicted to be tolerated by in silico analysis. Based on the available evidence, the clinical significance of this variant remains unclear.

Sema4
Classification: Uncertain significance for Hereditary cancer-predisposing syndrome. Last evaluated: 2021-09-25. Review status: criteria provided, single submitter. Criteria: Sema4 Curation Guidelines. Collection method: curation. Allele origin: germline.
Comment: The FANCM c.215A>G (p.N72S) variant has not been reported in the literature to our knowledge. It was not observed in the large and broad cohorts of the Genome Aggregation Database, and has not been reported in ClinVar. In silico tools suggest the impact of the variant on protein function is benign, though these predictions have not been confirmed by functional studies. The evidence is insufficient to meet ACMG/AMP criteria for classifying the variant as benign or pathogenic. Thus, the clinical significance of this variant is currently uncertain.

NM_020937.4(FANCM):c.215A>G (p.Asn72Ser)

Gene: FANCM (FA complementation group M; plus strand). Cytogenetic location: 14q21.2.
Variant type: single nucleotide variant.
Coding change: c.215A>G on transcript NM_020937.4 (MANE Select); coding-DNA position 215, A replaced by G.
Protein change: p.Asn72Ser; replaces asparagine 72 with serine.
Molecular consequence: missense variant.
Genome position (GRCh38, 1-based): chr14:45,136,246, A>G. VCF-style: chr14-45136246-A-G. GRCh37 (hg19) VCF-style: chr14-45605449-A-G.
Other names: c.215A>G, p.Asn72Ser (NM_001308133.2, NM_001308134.2); short protein forms N72S.
Identifiers: ClinVar variation 1691893 (VCV001691893.2), dbSNP rs1223006364, ClinGen allele CA389587426.
Genomic context (GRCh38, chr14:45,136,246, plus strand): 5'-CGGACGATGATGTGTTGCTTGTCGCGGCGTACGAGGCTGAGCGGCAGTTGTGTCTAGAGA[A>G]TGGCGGGTTCTGCACCTCCGCGGGCGCCCTGTGGATTTACCCTACCAATTGCCCAGTGCG-3'
Protein context (NP_065988.1, residues 62-82): YEAERQLCLE[Asn72Ser]GGFCTSAGAL